The following is an entry in ClinVar:

ClinVar aggregate classification (germline): Uncertain significance (1 of 4 stars; one submission).

Conditions:
Generalized epilepsy with febrile seizures plus, type 7 (GEFSP7). Also called: GEFS+, TYPE 7. Identifiers: Orphanet 36387, MedGen C2751778, MONDO:0013470, OMIM 613863.
Neuropathy, hereditary sensory and autonomic, type 2A (HSAN2A). Also called: HSAN IIA; WNK1-Related HSAN2 (HSAN2A); MORVAN DISEASE; NEUROPATHY, CONGENITAL SENSORY; NEUROPATHY, HEREDITARY SENSORY RADICULAR, AUTOSOMAL RECESSIVE; NEUROPATHY, HEREDITARY SENSORY, TYPE IIA. Identifiers: Orphanet 970, MedGen C2752089, MONDO:0024309, OMIM 201300.

Allele frequency attached by ClinVar (database versions not stated): gnomAD 0.00001; TOPMed 0.00001; ExAC 0.00002; ESP Exome Variant Server 0.00008.
gnomAD v4.1: 9 of 1,612,072 alleles (0.00056%); highest among the groups gnomAD compares: African/African-American, 0.0013%; no homozygotes.

Submission:

Labcorp Genetics (formerly Invitae), Labcorp
Classification: Uncertain significance for Neuropathy, hereditary sensory and autonomic, type 2A; Generalized epilepsy with febrile seizures plus, type 7. Last evaluated: 2023-10-16. Review status: criteria provided, single submitter. Criteria: Invitae Variant Classification Sherloc (09022015). Collection method: clinical testing. Allele origin: germline.
Comment: This sequence change falls in intron 13 of the SCN9A gene. It does not directly change the encoded amino acid sequence of the SCN9A protein. It affects a nucleotide within the consensus splice site. This variant is present in population databases (rs367569684, gnomAD 0.007%). This variant has not been reported in the literature in individuals affected with SCN9A-related conditions. ClinVar contains an entry for this variant (Variation ID: 969444). Variants that disrupt the consensus splice site are a relatively common cause of aberrant splicing (PMID: 17576681, 9536098). Algorithms developed to predict the effect of sequence changes on RNA splicing suggest that this variant is not likely to affect RNA splicing. In summary, the available evidence is currently insufficient to determine the role of this variant in disease. Therefore, it has been classified as a Variant of Uncertain Significance.

Literature cited by the submitters: PubMed 17576681; PubMed 9536098.

NM_001365536.1(SCN9A):c.2104+4T>G

Genes: SCN9A (sodium voltage-gated channel alpha subunit 9; minus strand), SCN1A-AS1 (SCN1A and SCN9A antisense RNA 1; plus strand). Cytogenetic location: 2q24.3.
Variant type: single nucleotide variant.
Coding change: c.2104+4T>G on transcript NM_001365536.1 (MANE Select); 4 bases into the intron after coding-DNA position 2104, T replaced by G.
Molecular consequence: intron variant.
Genome position (GRCh38, 1-based): chr2:166,281,675, A>C on the plus strand (T>G on the coding strand, the complement: SCN9A is on the minus strand). VCF-style: chr2-166281675-A-C. GRCh37 (hg19) VCF-style: chr2-167138185-A-C.
Other names: c.2071+4T>G (NM_002977.4).
Identifiers: ClinVar variation 969444 (VCV000969444.8), dbSNP rs367569684, ClinGen allele CA1944340.
Genomic context (GRCh38, chr2:166,281,675, plus strand): 5'-GGTTGACCAGATTTATGTTAATTTTATTTAAGAATCTGTACAGTAAAAGAAGATTATTAC[A>C]TACCTTCCACAGTGTTTGTTAATATGCTTGCTCTACTCATTGCTCTCTGTCTGAGGTTGG-3'